The following is an entry in ClinVar:

ClinVar aggregate classification (germline): Uncertain significance (1 of 4 stars; one submission).

gnomAD v4.1: 3 of 1,610,962 alleles (0.00019%); highest among the groups gnomAD compares: Admixed American, 0.0017%; no homozygotes.

Submission:

GeneDx
Classification: Uncertain significance. Last evaluated: 2024-01-26. Review status: criteria provided, single submitter. Criteria: GeneDx Variant Classification Process June 2021. Collection method: clinical testing. Allele origin: germline. Affected: yes.
Comment: In silico analysis supports that this missense variant does not alter protein structure/function; Has not been previously published as pathogenic or benign to our knowledge

NM_000168.6(GLI3):c.2671G>A (p.Val891Met)

Gene: GLI3 (GLI family zinc finger 3; minus strand). Cytogenetic location: 7p14.1.
Variant type: single nucleotide variant.
Coding change: c.2671G>A on transcript NM_000168.6 (MANE Select); coding-DNA position 2671, G replaced by A.
Protein change: p.Val891Met; replaces valine 891 with methionine.
Molecular consequence: missense variant.
Genome position (GRCh38, 1-based): chr7:41,966,402, C>T on the plus strand (G>A on the coding strand, the complement: GLI3 is on the minus strand). VCF-style: chr7-41966402-C-T. GRCh37 (hg19) VCF-style: chr7-42006000-C-T.
Other names: short protein forms V891M.
Identifiers: ClinVar variation 3368441 (VCV003368441.1).